The following is an entry in ClinVar:

NM_182916.3(TRNT1):c.1150_1157del (p.Pro384fs)

Gene: TRNT1 (tRNA nucleotidyl transferase 1; plus strand). Cytogenetic location: 3p26.2.
Variant type: Deletion.
Coding change: c.1150_1157del on transcript NM_182916.3 (MANE Select); coding-DNA positions 1150 to 1157, 8 bases deleted (CCTCCATT; older notation c.1150_1157delCCTCCATT).
Protein change: p.Pro384fs; shifts the reading frame from proline 384.
Molecular consequence: frameshift variant. On other transcripts: non-coding transcript variant (8).
Genome position (GRCh38, 1-based): chr3:3,147,999-3,148,006, CCTCCATT deleted; deleting any 8 consecutive bases within chr3:3,147,993-3,148,006 gives the same sequence; the c. name uses the placement nearest the transcript's 3' end. VCF-style (leftmost placement, unchanged base first): chr3-3147992-GTCCATTCC-G. GRCh37 (hg19) VCF-style: chr3-3189676-GTCCATTCC-G.
Other names: c.1090_1097del, p.Pro364fs (NM_001302946.2); c.1150_1157del, p.Pro384fs (NM_001367321.1, NM_001367322.1, NM_001367323.1); short protein forms P364fs, P384fs.
Identifiers: ClinVar variation 2876292 (VCV002876292.3), dbSNP rs2471356959, ClinGen allele CA2577492412.

ClinVar aggregate classification (germline): Pathogenic (1 of 4 stars; one submission).

Conditions:
Congenital sideroblastic anemia-B-cell immunodeficiency-periodic fever-developmental delay syndrome. Also called: Sideroblastic anemia with B-cell immunodeficiency, periodic fevers, and developmental delay. Identifiers: Orphanet 369861, MedGen C4015172, MONDO:0014487, OMIM 616084.

Submission:

Labcorp Genetics (formerly Invitae), Labcorp
Classification: Pathogenic for Congenital sideroblastic anemia-B-cell immunodeficiency-periodic fever-developmental delay syndrome. Last evaluated: 2023-10-09. Review status: criteria provided, single submitter. Criteria: Invitae Variant Classification Sherloc (09022015). Collection method: clinical testing. Allele origin: germline.
Comment: This sequence change creates a premature translational stop signal (p.Pro384Serfs*6) in the TRNT1 gene. While this is not anticipated to result in nonsense mediated decay, it is expected to disrupt the last 51 amino acid(s) of the TRNT1 protein. This variant is not present in population databases (gnomAD no frequency). This variant has not been reported in the literature in individuals affected with TRNT1-related conditions. This variant disrupts a region of the TRNT1 protein in which other variant(s) (p.Ser418Lysfs*9) have been determined to be pathogenic (PMID: 25193871, 26494905, 29358286; Invitae). This suggests that this is a clinically significant region of the protein, and that variants that disrupt it are likely to be disease-causing. For these reasons, this variant has been classified as Pathogenic.

Literature cited by the submitters: PubMed 25193871; PubMed 26494905; PubMed 29358286.